The following is an entry in ClinVar:

NM_000179.3(MSH6):c.1521A>C (p.Arg507Ser)

Gene: MSH6 (mutS homolog 6; plus strand). Cytogenetic location: 2p16.3.
Variant type: single nucleotide variant.
Coding change: c.1521A>C on transcript NM_000179.3 (MANE Select); coding-DNA position 1521, A replaced by C.
Protein change: p.Arg507Ser; replaces arginine 507 with serine.
Molecular consequence: missense variant.
Genome position (GRCh38, 1-based): chr2:47,799,504, A>C. VCF-style: chr2-47799504-A-C. GRCh37 (hg19) VCF-style: chr2-48026643-A-C.
Other names: c.1131A>C, p.Arg377Ser (NM_001281492.2); c.615A>C, p.Arg205Ser (NM_001281493.2, NM_001281494.2); short protein forms R205S, R507S, R377S.
Identifiers: ClinVar variation 949541 (VCV000949541.12), dbSNP rs1669341326, ClinGen allele CA346746390.

ClinVar aggregate classification (germline): Uncertain significance. Review status: criteria provided, multiple submitters, no conflicts (2 of 4 stars). 2 submissions from 2 submitters: Uncertain significance (2). Last evaluated 2022-06-10.

Conditions:
Hereditary nonpolyposis colorectal neoplasms. Identifiers: MedGen C0009405, MeSH D003123.
Hereditary cancer-predisposing syndrome. Also called: Hereditary neoplastic syndrome; Neoplastic Syndromes, Hereditary; Tumor predisposition; Hereditary Cancer Syndrome. Identifiers: Orphanet 140162, MedGen C0027672, MeSH D009386, MONDO:0015356.

Submissions (2):

Ambry Genetics
Classification: Uncertain significance for Hereditary cancer-predisposing syndrome. Last evaluated: 2022-06-10. Review status: criteria provided, single submitter. Criteria: Ambry Variant Classification Scheme 2023. Collection method: clinical testing. Allele origin: germline.
Comment: The p.R507S variant (also known as c.1521A>C), located in coding exon 4 of the MSH6 gene, results from an A to C substitution at nucleotide position 1521. The arginine at codon 507 is replaced by serine, an amino acid with dissimilar properties. This amino acid position is conserved. In addition, the in silico prediction for this alteration is inconclusive. Since supporting evidence is limited at this time, the clinical significance of this alteration remains unclear.

Labcorp Genetics (formerly Invitae), Labcorp
Classification: Uncertain significance for Hereditary nonpolyposis colorectal neoplasms. Last evaluated: 2019-07-23. Review status: criteria provided, single submitter. Criteria: Invitae Variant Classification Sherloc (09022015). Collection method: clinical testing. Allele origin: germline.
Comment: This sequence change replaces arginine with serine at codon 507 of the MSH6 protein (p.Arg507Ser). The arginine residue is weakly conserved and there is a moderate physicochemical difference between arginine and serine. This variant is not present in population databases (ExAC no frequency). This variant has not been reported in the literature in individuals with MSH6-related conditions. Algorithms developed to predict the effect of missense changes on protein structure and function are either unavailable or do not agree on the potential impact of this missense change (SIFT: "Deleterious"; PolyPhen-2: "Benign"; Align-GVGD: "Class C15"). In summary, the available evidence is currently insufficient to determine the role of this variant in disease. Therefore, it has been classified as a Variant of Uncertain Significance.